The following is an entry in ClinVar:

NM_001723.7(DST):c.6607G>A (p.Glu2203Lys)

Gene: DST (dystonin; minus strand). Cytogenetic location: 6p12.1.
Variant type: single nucleotide variant.
Coding change: c.6607G>A on transcript NM_001723.7 (MANE Plus Clinical); coding-DNA position 6607, G replaced by A.
Protein change: p.Glu2203Lys; replaces glutamic acid 2203 with lysine.
Molecular consequence: missense variant. On other transcripts: intron variant (10).
Genome position (GRCh38, 1-based): chr6:56,616,860, C>T on the plus strand (G>A on the coding strand, the complement: DST is on the minus strand). VCF-style: chr6-56616860-C-T. GRCh37 (hg19) VCF-style: chr6-56481658-C-T.
Other names: c.4831-2376G>A (NM_001144769.5); c.4930-2376G>A (NM_001374722.1, NM_001374736.1); c.4957-2376G>A (NM_001374734.1); c.4417-2376G>A (NM_001144770.2); c.4297-2376G>A (NM_001374730.1, NM_001386100.1, NM_183380.4 and 1 more transcripts); c.3319-2376G>A (NM_015548.5); short protein forms E2203K.
Identifiers: ClinVar variation 474544 (VCV000474544.8), dbSNP rs750599278, ClinGen allele CA3870128.

ClinVar aggregate classification (germline): Uncertain significance (1 of 4 stars; one submission).

Conditions:
Hereditary sensory and autonomic neuropathy type 6. Also called: HSAN VI; Neuropathy, hereditary sensory and autonomic, type VI. Identifiers: Orphanet 314381, MedGen C3539003, MONDO:0013839, OMIM 614653.
Epidermolysis bullosa simplex 3, localized or generalized intermediate, with BP230 deficiency (EBS3). Also called: Epidermolysis bullosa simplex, autosomal recessive 2; Epidermolysis bullosa simplex due to BP230 deficiency. Identifiers: Orphanet 412181, MedGen C3809470, MONDO:0014180, OMIM 615425.

Allele frequency attached by ClinVar (database versions not stated): gnomAD 0.00001; ExAC 0.00002; gnomAD exomes 0.00002 and 0.00004; TOPMed 0.00003.
gnomAD v4.1: 35 of 1,613,928 alleles (0.0022%); highest among the groups gnomAD compares: Admixed American, 0.01%; no homozygotes.

Submission:

Labcorp Genetics (formerly Invitae), Labcorp
Classification: Uncertain significance for Epidermolysis bullosa simplex 3, localized or generalized intermediate, with BP230 deficiency; Hereditary sensory and autonomic neuropathy type 6. Last evaluated: 2021-12-27. Review status: criteria provided, single submitter. Criteria: Invitae Variant Classification Sherloc (09022015). Collection method: clinical testing. Allele origin: germline.
Comment: This sequence change replaces glutamic acid, which is acidic and polar, with lysine, which is basic and polar, at codon 2203 of the DST protein (p.Glu2203Lys). This variant is present in population databases (rs750599278, gnomAD 0.01%). This variant has not been reported in the literature in individuals affected with DST-related conditions. ClinVar contains an entry for this variant (Variation ID: 474544). Algorithms developed to predict the effect of missense changes on protein structure and function (SIFT, PolyPhen-2, Align-GVGD) all suggest that this variant is likely to be tolerated. In summary, the available evidence is currently insufficient to determine the role of this variant in disease. Therefore, it has been classified as a Variant of Uncertain Significance.